The following is an entry in ClinVar:

NM_020166.5(MCCC1):c.1802C>T (p.Ser601Phe)

Gene: MCCC1 (methylcrotonyl-CoA carboxylase subunit 1; minus strand). Cytogenetic location: 3q27.1.
Variant type: single nucleotide variant.
Coding change: c.1802C>T on transcript NM_020166.5 (MANE Select); coding-DNA position 1802, C replaced by T.
Protein change: p.Ser601Phe; replaces serine 601 with phenylalanine.
Molecular consequence: missense variant. On other transcripts: non-coding transcript variant (2).
Genome position (GRCh38, 1-based): chr3:183,022,484, G>A on the plus strand (C>T on the coding strand, the complement: MCCC1 is on the minus strand). VCF-style: chr3-183022484-G-A. GRCh37 (hg19) VCF-style: chr3-182740272-G-A.
Other names: c.1451C>T, p.Ser484Phe (NM_001293273.2); c.1475C>T, p.Ser492Phe (NM_001363880.1); c.1802C>T (NM_020166.3); short protein forms S492F, S601F, S484F.
Identifiers: ClinVar variation 1515537 (VCV001515537.9), dbSNP rs1352360605, ClinGen allele CA355316544.

ClinVar aggregate classification (germline): Uncertain significance. Review status: criteria provided, multiple submitters, no conflicts (2 of 4 stars). 2 submissions from 2 submitters: Uncertain significance (2). Last evaluated 2025-08-08.

Conditions:
3-methylcrotonyl-CoA carboxylase 1 deficiency (MCC1D). Also called: MCC 1 deficiency; 3 Alpha methylcrotonylglycinuria 1; MCCD TYPE 1; METHYLCROTONYLGLYCINURIA TYPE I. Identifiers: Orphanet 6, MedGen CN028786, MONDO:0008861, OMIM 210200.
Inborn genetic diseases. Identifiers: MedGen C0950123, MeSH D030342.

Allele frequency attached by ClinVar (database versions not stated): gnomAD exomes below 0.00001.
gnomAD v4.1: 1 of 1,613,930 alleles (0.000062%); highest among the groups gnomAD compares: Admixed American, 0.0017%; no homozygotes.

Submissions (2):

Ambry Genetics
Classification: Uncertain significance for Inborn genetic diseases. Last evaluated: 2025-08-08. Review status: criteria provided, single submitter. Criteria: Ambry Variant Classification Scheme 2023. Collection method: clinical testing. Allele origin: germline.

Labcorp Genetics (formerly Invitae), Labcorp
Classification: Uncertain significance for 3-methylcrotonyl-CoA carboxylase 1 deficiency. Last evaluated: 2022-01-05. Review status: criteria provided, single submitter. Criteria: Invitae Variant Classification Sherloc (09022015). Collection method: clinical testing. Allele origin: germline.
Comment: This sequence change replaces serine, which is neutral and polar, with phenylalanine, which is neutral and non-polar, at codon 601 of the MCCC1 protein (p.Ser601Phe). This variant is not present in population databases (gnomAD no frequency). This variant has not been reported in the literature in individuals affected with MCCC1-related conditions. Algorithms developed to predict the effect of missense changes on protein structure and function are either unavailable or do not agree on the potential impact of this missense change (SIFT: "Deleterious"; PolyPhen-2: "Benign"; Align-GVGD: "Class C15"). In summary, the available evidence is currently insufficient to determine the role of this variant in disease. Therefore, it has been classified as a Variant of Uncertain Significance.